The following is an entry in ClinVar:

ClinVar aggregate classification (germline): Uncertain significance (1 of 4 stars; one submission).

Submission:

GeneDx
Classification: Uncertain significance. Last evaluated: 2025-03-13. Review status: criteria provided, single submitter. Criteria: GeneDx Variant Classification Process June 2021. Collection method: clinical testing. Allele origin: germline. Affected: yes.
Comment: Not observed at significant frequency in large population cohorts (gnomAD); In silico analysis indicates that this variant does not alter splicing; Has not been previously published as pathogenic or benign to our knowledge

NM_001848.3(COL6A1):c.957+5G>A

Gene: COL6A1 (collagen type VI alpha 1 chain; plus strand). Cytogenetic location: 21q22.3.
Variant type: single nucleotide variant.
Coding change: c.957+5G>A on transcript NM_001848.3 (MANE Select); 5 bases into the intron after coding-DNA position 957, G replaced by A.
Molecular consequence: intron variant.
Genome position (GRCh38, 1-based): chr21:45,990,289, G>A. VCF-style: chr21-45990289-G-A. GRCh37 (hg19) VCF-style: chr21-47410203-G-A.
Identifiers: ClinVar variation 4083098 (VCV004083098.1).
Genomic context (GRCh38, chr21:45,990,289, plus strand): 5'-CCCCTCACACCCGCTTCCTGTCTCCGCAGGGCTCCAGGGGACCCAAGGGCTACAAGGTGA[G>A]CGTGGGCTGCTGGGAGGGGGGAGTTCTGCCCCCACGGCAGCATGTCTGACCTGCATCTGA-3'